The following is an entry in ClinVar:

NM_000057.4(BLM):c.470T>G (p.Met157Arg)

Gene: BLM (BLM RecQ like helicase; plus strand). Cytogenetic location: 15q26.1.
Variant type: single nucleotide variant.
Coding change: c.470T>G on transcript NM_000057.4 (MANE Select); coding-DNA position 470, T replaced by G.
Protein change: p.Met157Arg; replaces methionine 157 with arginine.
Molecular consequence: missense variant. On other transcripts: 5 prime UTR variant (1).
Genome position (GRCh38, 1-based): chr15:90,749,738, T>G. VCF-style: chr15-90749738-T-G. GRCh37 (hg19) VCF-style: chr15-91292968-T-G.
Other names: c.470T>G, p.Met157Arg (NM_001287246.2, NM_001287247.2); c.-822T>G (NM_001287248.2); c.470T>G (NM_000057.2); short protein forms M157R.
Identifiers: ClinVar variation 1352029 (VCV001352029.9), dbSNP rs773103759, ClinGen allele CA393840856.
Genomic context (GRCh38, chr15:90,749,738, plus strand): 5'-AGAAATTAGAATTTAGTTCTTCACCAGATTCTTTAAGTACCATCAATGATTGGGATGATA[T>G]GGATGACTTTGATACTTCTGAGACTTCAAAATCATTTGTTACACCACCCCAAAGTCACTT-3'
Protein context (NP_000048.1, residues 147-167): SLSTINDWDD[Met157Arg]DDFDTSETSK

ClinVar aggregate classification (germline): Uncertain significance. Review status: criteria provided, multiple submitters, no conflicts (2 of 4 stars). 2 submissions from 2 submitters: Uncertain significance (2). Last evaluated 2023-12-14.

Conditions:
Hereditary cancer-predisposing syndrome. Also called: Neoplastic Syndromes, Hereditary; Tumor predisposition; Hereditary neoplastic syndrome; Hereditary Cancer Syndrome. Identifiers: Orphanet 140162, MedGen C0027672, MeSH D009386, MONDO:0015356.
Bloom syndrome (BLM). Also called: Bloom-Torre-Machacek syndrome. Identifiers: Orphanet 125, MedGen C0005859, MONDO:0008876, OMIM 210900.

Submissions (2):

Ambry Genetics
Classification: Uncertain significance for Hereditary cancer-predisposing syndrome. Last evaluated: 2023-12-14. Review status: criteria provided, single submitter. Criteria: Ambry Variant Classification Scheme 2023. Collection method: clinical testing. Allele origin: germline.
Comment: The p.M157R variant (also known as c.470T>G), located in coding exon 2 of the BLM gene, results from a T to G substitution at nucleotide position 470. The methionine at codon 157 is replaced by arginine, an amino acid with similar properties. This amino acid position is conserved. In addition, this alteration is predicted to be tolerated by in silico analysis. Since supporting evidence is limited at this time, the clinical significance of this alteration remains unclear.

Labcorp Genetics (formerly Invitae), Labcorp
Classification: Uncertain significance for Bloom syndrome. Last evaluated: 2021-05-07. Review status: criteria provided, single submitter. Criteria: Invitae Variant Classification Sherloc (09022015). Collection method: clinical testing. Allele origin: germline.
Comment: This sequence change replaces methionine with arginine at codon 157 of the BLM protein (p.Met157Arg). The methionine residue is weakly conserved and there is a moderate physicochemical difference between methionine and arginine. This variant is not present in population databases (ExAC no frequency). In summary, the available evidence is currently insufficient to determine the role of this variant in disease. Therefore, it has been classified as a Variant of Uncertain Significance. Algorithms developed to predict the effect of missense changes on protein structure and function are either unavailable or do not agree on the potential impact of this missense change (SIFT: "Deleterious"; PolyPhen-2: "Possibly Damaging"; Align-GVGD: "Class C0"). This variant has not been reported in the literature in individuals with BLM-related conditions.